The following is an entry in ClinVar:

ClinVar aggregate classification (germline): Uncertain significance. Review status: criteria provided, multiple submitters, no conflicts (2 of 4 stars). 2 submissions from 2 submitters: Uncertain significance (2). Last evaluated 2025-05-08.

Conditions:
Hereditary cancer-predisposing syndrome. Also called: Neoplastic Syndromes, Hereditary; Hereditary Cancer Syndrome; Tumor predisposition; Hereditary neoplastic syndrome. Identifiers: Orphanet 140162, MedGen C0027672, MeSH D009386, MONDO:0015356.

Submissions (2):

Ambry Genetics
Classification: Uncertain significance for Hereditary cancer-predisposing syndrome. Last evaluated: 2025-05-08. Review status: criteria provided, single submitter. Criteria: Ambry Variant Classification Scheme 2023. Collection method: clinical testing. Allele origin: germline.
Comment: The p.L1434P variant (also known as c.4301T>C), located in coding exon 34 of the POLE gene, results from a T to C substitution at nucleotide position 4301. The leucine at codon 1434 is replaced by proline, an amino acid with similar properties. This amino acid position is highly conserved in available vertebrate species. In addition, the in silico prediction for this alteration is inconclusive. Based on the available evidence, the clinical significance of this variant remains unclear.

Labcorp Genetics (formerly Invitae), Labcorp
Classification: Uncertain significance. Last evaluated: 2024-02-20. Review status: criteria provided, single submitter. Criteria: Invitae Variant Classification Sherloc (09022015). Collection method: clinical testing. Allele origin: germline.
Comment: This sequence change replaces leucine, which is neutral and non-polar, with proline, which is neutral and non-polar, at codon 1434 of the POLE protein (p.Leu1434Pro). This variant is not present in population databases (gnomAD no frequency). This variant has not been reported in the literature in individuals affected with POLE-related conditions. ClinVar contains an entry for this variant (Variation ID: 1474478). Advanced modeling of protein sequence and biophysical properties (such as structural, functional, and spatial information, amino acid conservation, physicochemical variation, residue mobility, and thermodynamic stability) performed at Invitae indicates that this missense variant is not expected to disrupt POLE protein function with a negative predictive value of 80%. In summary, the available evidence is currently insufficient to determine the role of this variant in disease. Therefore, it has been classified as a Variant of Uncertain Significance.

NM_006231.4(POLE):c.4301T>C (p.Leu1434Pro)

Gene: POLE (DNA polymerase epsilon, catalytic subunit; minus strand). Cytogenetic location: 12q24.33.
Variant type: single nucleotide variant.
Coding change: c.4301T>C on transcript NM_006231.4 (MANE Select); coding-DNA position 4301, T replaced by C.
Protein change: p.Leu1434Pro; replaces leucine 1434 with proline.
Molecular consequence: missense variant.
Genome position (GRCh38, 1-based): chr12:132,643,550, A>G on the plus strand (T>C on the coding strand, the complement: POLE is on the minus strand). VCF-style: chr12-132643550-A-G. GRCh37 (hg19) VCF-style: chr12-133220136-A-G.
Other names: c.4301T>C (NM_006231.2); short protein forms L1434P.
Identifiers: ClinVar variation 1474478 (VCV001474478.9), dbSNP rs2138553534, ClinGen allele CA387381583.